The following is an entry in ClinVar:

ClinVar aggregate classification (germline): Pathogenic (1 of 4 stars; one submission).

Submission:

ISCA site 4
Classification: Pathogenic. Last evaluated: 2011-08-12. Review status: criteria provided, single submitter. Criteria: Kaminsky et al. (Genet Med. 2011). Collection method: clinical testing. Allele origin: unknown. Affected: yes. Observed: 1 variant allele.
Comment: Copy number variation identified through the course of routine clinical cytogenomic testing in postnatal populations. Clinical assertions have been curated as described in Kaminsky et al. 2011.

GRCh38/hg38 8q24.3(chr8:144002671-144796947)x3

Genes: ADCK5 (aarF domain containing kinase 5; plus strand), ARHGAP39 (Rho GTPase activating protein 39; minus strand), BOP1 (BOP1 ribosomal biogenesis factor; minus strand), C8orf82 (chromosome 8 open reading frame 82; minus strand), CPSF1 (cleavage and polyadenylation specific factor 1; minus strand) and 117 more. Cytogenetic location: 8q24.3.
Variant type: copy number gain.
Change: copy number 3 (three copies instead of two) of chr8:144,002,671-144,796,947 (794.3 kb, GRCh38 coordinates, 1-based), cytogenetic band 8q24.3.
Identifiers: ClinVar variation 57047 (VCV000057047.1).